The following is an entry in ClinVar:

NM_004239.4(TRIP11):c.2147T>C (p.Met716Thr)

Gene: TRIP11 (thyroid hormone receptor interactor 11; minus strand). Cytogenetic location: 14q32.12.
Variant type: single nucleotide variant.
Coding change: c.2147T>C on transcript NM_004239.4 (MANE Select); coding-DNA position 2147, T replaced by C.
Protein change: p.Met716Thr; replaces methionine 716 with threonine.
Molecular consequence: missense variant.
Genome position (GRCh38, 1-based): chr14:92,005,829, A>G on the plus strand (T>C on the coding strand, the complement: TRIP11 is on the minus strand). VCF-style: chr14-92005829-A-G. GRCh37 (hg19) VCF-style: chr14-92472173-A-G.
Other names: c.2144T>C, p.Met715Thr (NM_001321851.1); short protein forms M715T, M716T.
Identifiers: ClinVar variation 2835481 (VCV002835481.3), dbSNP rs2543034581, ClinGen allele CA390658426.

ClinVar aggregate classification (germline): Uncertain significance (1 of 4 stars; one submission).

Conditions:
Achondrogenesis, type IA (ACG1A). Identifiers: Orphanet 932, Orphanet 93299, MedGen C0265273, MONDO:0008701, OMIM 200600.

Submission:

Labcorp Genetics (formerly Invitae), Labcorp
Classification: Uncertain significance for Achondrogenesis, type IA. Last evaluated: 2023-04-10. Review status: criteria provided, single submitter. Criteria: Invitae Variant Classification Sherloc (09022015). Collection method: clinical testing. Allele origin: germline.
Comment: In summary, the available evidence is currently insufficient to determine the role of this variant in disease. Therefore, it has been classified as a Variant of Uncertain Significance. Advanced modeling of protein sequence and biophysical properties (such as structural, functional, and spatial information, amino acid conservation, physicochemical variation, residue mobility, and thermodynamic stability) performed at Invitae indicates that this missense variant is not expected to disrupt TRIP11 protein function. This variant has not been reported in the literature in individuals affected with TRIP11-related conditions. This variant is not present in population databases (gnomAD no frequency). This sequence change replaces methionine, which is neutral and non-polar, with threonine, which is neutral and polar, at codon 716 of the TRIP11 protein (p.Met716Thr).